The following is an entry in ClinVar:

ClinVar aggregate classification (germline): Uncertain significance (1 of 4 stars; one submission).

Conditions:
Familial adenomatous polyposis 1 (FAP1). Also called: FAMILIAL ADENOMATOUS POLYPOSIS 1, ATTENUATED; POLYPOSIS, ADENOMATOUS INTESTINAL. Identifiers: MedGen C2713442, MONDO:0021056, OMIM 175100. Disease mechanism: loss of function.

Submission:

Labcorp Genetics (formerly Invitae), Labcorp
Classification: Uncertain significance for Familial adenomatous polyposis 1. Last evaluated: 2023-01-31. Review status: criteria provided, single submitter. Criteria: Invitae Variant Classification Sherloc (09022015). Collection method: clinical testing. Allele origin: germline.
Comment: In summary, the available evidence is currently insufficient to determine the role of this variant in disease. Therefore, it has been classified as a Variant of Uncertain Significance. Advanced modeling of protein sequence and biophysical properties (such as structural, functional, and spatial information, amino acid conservation, physicochemical variation, residue mobility, and thermodynamic stability) performed at Invitae indicates that this missense variant is not expected to disrupt APC protein function. This variant has not been reported in the literature in individuals affected with APC-related conditions. This variant is not present in population databases (gnomAD no frequency). This sequence change replaces glutamic acid, which is acidic and polar, with aspartic acid, which is acidic and polar, at codon 868 of the APC protein (p.Glu868Asp).

NM_000038.6(APC):c.2604A>C (p.Glu868Asp)

Gene: APC (APC regulator of Wnt signaling pathway; plus strand). Cytogenetic location: 5q22.2.
Variant type: single nucleotide variant.
Coding change: c.2604A>C on transcript NM_000038.6 (MANE Select); coding-DNA position 2604, A replaced by C.
Protein change: p.Glu868Asp; replaces glutamic acid 868 with aspartic acid.
Molecular consequence: missense variant. On other transcripts: non-coding transcript variant (2).
Genome position (GRCh38, 1-based): chr5:112,838,198, A>C. VCF-style: chr5-112838198-A-C. GRCh37 (hg19) VCF-style: chr5-112173895-A-C.
Other names: c.2604A>C, p.Glu868Asp (NM_001127510.3, NM_001354895.2, NM_001407450.1); c.2550A>C, p.Glu850Asp (NM_001127511.3); c.2658A>C, p.Glu886Asp (NM_001354896.2, NM_001407447.1, NM_001407448.1 and 1 more transcripts); c.2634A>C, p.Glu878Asp (NM_001354897.2); c.2529A>C, p.Glu843Asp (NM_001354898.2); c.2520A>C, p.Glu840Asp (NM_001354899.2); c.2481A>C, p.Glu827Asp (NM_001354900.2); c.2427A>C, p.Glu809Asp (NM_001354901.2, NM_001407453.1); and 11 more; short protein forms E785D, E809D, E843D, E850D, E585D, E767D, E827D, E868D.
Identifiers: ClinVar variation 2833069 (VCV002833069.3), dbSNP rs2149873439, ClinGen allele CA16027030.